The following is an entry in ClinVar:

NM_000321.3(RB1):c.1128-6C>T

Gene: RB1 (RB transcriptional corepressor 1; plus strand). Cytogenetic location: 13q14.2.
Variant type: single nucleotide variant.
Coding change: c.1128-6C>T on transcript NM_000321.3 (MANE Select); 6 bases into the intron before coding-DNA position 1128, C replaced by T.
Molecular consequence: intron variant.
Genome position (GRCh38, 1-based): chr13:48,373,399, C>T. VCF-style: chr13-48373399-C-T. GRCh37 (hg19) VCF-style: chr13-48947535-C-T.
Identifiers: ClinVar variation 700503 (VCV000700503.12), dbSNP rs1566196389, ClinGen allele CA609576774.
Genomic context (GRCh38, chr13:48,373,399, plus strand): 5'-CATTTCATTTTTTCTTTTTTTCTCCCTTCATTGCTTAACACATTTTCCTATTTTTATCCC[C>T]TCTAGGACTGTTATGAACACTATCCAACAATTAATGATGATTTTAAATTCAGCAAGTGAT-3'

ClinVar aggregate classification (germline): Likely benign. Review status: criteria provided, multiple submitters, no conflicts (2 of 4 stars). 3 submissions from 3 submitters: Likely benign (3). Last evaluated 2026-06-18.

Conditions:
Retinoblastoma (RB1). Also called: RETINOBLASTOMA, SOMATIC. Identifiers: Orphanet 790, MedGen C0035335, MeSH D012175, MONDO:0008380, OMIM 180200, HP:0009919. Disease mechanism: loss of function. Inheritance: Both sporadic and heritable forms are tested..

Allele frequency attached by ClinVar (database versions not stated): gnomAD exomes 0.00001 and below 0.00001.
gnomAD v4.1: 4 of 1,549,768 alleles (0.00026%); highest among the groups gnomAD compares: Admixed American, 0.005%; no homozygotes.

Submissions (3):

Myriad Genetics, Inc.
Classification: Likely benign for Retinoblastoma. Last evaluated: 2026-06-18. Review status: criteria provided, single submitter. Criteria: Myriad Autosomal Dominant, Autosomal Recessive and X-Linked Classification Criteria (2023). Collection method: clinical testing. Allele origin: unknown.
Comment: This variant is considered likely benign. This variant is intronic and is not expected to impact mRNA splicing.

Labcorp Genetics (formerly Invitae), Labcorp
Classification: Likely benign for Retinoblastoma. Last evaluated: 2025-12-07. Review status: criteria provided, single submitter. Criteria: Invitae Variant Classification Sherloc (09022015). Collection method: clinical testing. Allele origin: germline.

All of Us Research Program, National Institutes of Health
Classification: Likely benign for Retinoblastoma. Last evaluated: 2024-04-16. Review status: criteria provided, single submitter. Criteria: ACMG Guidelines, 2015. Collection method: clinical testing. Allele origin: germline. Inheritance: Autosomal dominant inheritance. Observed: 1 variant allele, 1 heterozygote.
Comment: This study involves interpretation of variants in research participants for the purpose of population health screening. Participant phenotype was not available at the time of variant classification. Additional details can be found in publication PMID: 35346344, PMCID: PMC8962531